The following is an entry in ClinVar:

NM_001042492.3(NF1):c.607del (p.Ala203fs)

Gene: NF1 (neurofibromin 1; plus strand). Cytogenetic location: 17q11.2.
Variant type: Deletion.
Coding change: c.607del on transcript NM_001042492.3 (MANE Select); coding-DNA position 607, one base deleted (G; older notation c.607delG).
Protein change: p.Ala203fs; shifts the reading frame from alanine 203.
Molecular consequence: frameshift variant.
Genome position (GRCh38, 1-based): chr17:31,181,442, G deleted. VCF-style (leftmost placement, unchanged base first): chr17-31181441-AG-A. GRCh37 (hg19) VCF-style: chr17-29508459-AG-A.
Other names: c.607delG, p.Ala203Profs (NM_000267.4); c.607del, p.Ala203fs (NM_001128147.3); c.607delG (NM_000267.3); short protein forms A203fs.
Identifiers: ClinVar variation 581692 (VCV000581692.6), dbSNP rs1567825887, ClinGen allele CA891843778.

ClinVar aggregate classification (germline): Pathogenic. Review status: criteria provided, multiple submitters, no conflicts (2 of 4 stars). 2 submissions from 2 submitters: Pathogenic (2). Last evaluated 2026-05-19.

Conditions:
Neurofibromatosis, type 1 (NF1). Also called: VON RECKLINGHAUSEN DISEASE; Neurofibromatosis, type I; NEUROFIBROMATOSIS, TYPE I, SOMATIC; Peripheral type neurofibromatosis. Identifiers: Orphanet 636, MedGen C0027831, MONDO:0018975, OMIM 162200. Disease mechanism: loss of function.
Cardiovascular phenotype. Identifiers: MedGen CN230736.
Hereditary cancer-predisposing syndrome. Also called: Tumor predisposition; Hereditary Cancer Syndrome; Neoplastic Syndromes, Hereditary; Hereditary neoplastic syndrome. Identifiers: Orphanet 140162, MedGen C0027672, MeSH D009386, MONDO:0015356.

Submissions (2):

Ambry Genetics
Classification: Pathogenic for Cardiovascular phenotype; Hereditary cancer-predisposing syndrome. Last evaluated: 2026-05-19. Review status: criteria provided, single submitter. Criteria: Ambry Variant Classification Scheme 2023. Collection method: clinical testing. Allele origin: germline.
Comment: The c.607delG pathogenic mutation, located in coding exon 6 of the NF1 gene, results from a deletion of one nucleotide at nucleotide position 607, causing a translational frameshift with a predicted alternate stop codon (p.A203Pfs*2). This variant is considered to be rare based on population cohorts in the Genome Aggregation Database (gnomAD). This alteration is expected to result in loss of function by premature protein truncation or nonsense-mediated mRNA decay. As such, this alteration is interpreted as a disease-causing mutation.

Labcorp Genetics (formerly Invitae), Labcorp
Classification: Pathogenic for Neurofibromatosis, type 1. Last evaluated: 2018-05-22. Review status: criteria provided, single submitter. Criteria: Invitae Variant Classification Sherloc (09022015). Collection method: clinical testing. Allele origin: germline.
Comment: This sequence change creates a premature translational stop signal (p.Ala203Profs*2) in the NF1 gene. It is expected to result in an absent or disrupted protein product. This variant is not present in population databases (ExAC no frequency). This variant has not been reported in the literature in individuals with NF1-related disease. Loss-of-function variants in NF1 are known to be pathogenic (PMID: 10712197, 23913538). For these reasons, this variant has been classified as Pathogenic.

Literature cited by the submitters: PubMed 10712197 (cited by Labcorp Genetics (formerly Invitae), Labcorp); PubMed 23913538 (cited by Labcorp Genetics (formerly Invitae), Labcorp).